The following is an entry in ClinVar:

ClinVar aggregate classification (germline): Likely benign (1 of 4 stars; one submission).

Allele frequency attached by ClinVar (database versions not stated): gnomAD exomes 0.00001; TOPMed 0.00001; gnomAD 0.00003; ExAC 0.00005.
gnomAD v4.1: 26 of 1,564,922 alleles (0.0017%); highest among the groups gnomAD compares: Admixed American, 0.0037%; no homozygotes.

Submission:

CeGaT Center for Human Genetics Tuebingen
Classification: Likely benign. Last evaluated: 2023-12-01. Review status: criteria provided, single submitter. Criteria: CeGaT Center For Human Genetics Tuebingen Variant Classification Criteria Version 2. Collection method: clinical testing. Allele origin: germline. Affected: yes. Observed: 1 variant allele.
Comment: CELSR1: BP4

NM_001378328.1(CELSR1):c.6975G>T (p.Arg2325Ser)

Gene: CELSR1 (cadherin EGF LAG seven-pass G-type receptor 1; minus strand). Cytogenetic location: 22q13.31.
Variant type: single nucleotide variant.
Coding change: c.6975G>T on transcript NM_001378328.1 (MANE Select); coding-DNA position 6975, G replaced by T.
Protein change: p.Arg2325Ser; replaces arginine 2325 with serine.
Molecular consequence: missense variant.
Genome position (GRCh38, 1-based): chr22:46,381,959, C>A on the plus strand (G>T on the coding strand, the complement: CELSR1 is on the minus strand). VCF-style: chr22-46381959-C-A. GRCh37 (hg19) VCF-style: chr22-46777856-C-A.
Other names: c.6975G>T, p.Arg2325Ser (NM_014246.4); short protein forms R2325S.
Identifiers: ClinVar variation 3025924 (VCV003025924.22), dbSNP rs758578857, ClinGen allele CA10293558.